The following is an entry in ClinVar:

ClinVar aggregate classification (germline): Conflicting classifications of pathogenicity. Review status: criteria provided, conflicting classifications (1 of 4 stars). 3 submissions from 3 submitters: Uncertain significance (1); Likely benign (2). Last evaluated 2026-02-01.

Conditions:
Inborn genetic diseases. Identifiers: MedGen C0950123, MeSH D030342.

Allele frequency attached by ClinVar (database versions not stated): gnomAD 0.00004; ExAC 0.00005; TOPMed 0.00006.

Submissions (3):

CeGaT Center for Human Genetics Tuebingen
Classification: Likely benign. Last evaluated: 2026-02-01. Review status: criteria provided, single submitter. Criteria: CeGaT Center For Human Genetics Tuebingen Variant Classification Criteria Version 2. Collection method: clinical testing. Allele origin: germline. Affected: yes. Observed: 3 variant alleles.
Comment: SIN3A: BP4

Ambry Genetics
Classification: Likely benign for Inborn genetic diseases. Last evaluated: 2024-08-19. Review status: criteria provided, single submitter. Criteria: Ambry Variant Classification Scheme 2023. Collection method: clinical testing. Allele origin: germline.

Labcorp Genetics (formerly Invitae), Labcorp
Classification: Uncertain significance. Last evaluated: 2024-03-23. Review status: criteria provided, single submitter. Criteria: Invitae Variant Classification Sherloc (09022015). Collection method: clinical testing. Allele origin: germline.
Comment: This sequence change replaces methionine, which is neutral and non-polar, with valine, which is neutral and non-polar, at codon 452 of the SIN3A protein (p.Met452Val). This variant is present in population databases (rs767080621, gnomAD 0.01%). This variant has not been reported in the literature in individuals affected with SIN3A-related conditions. ClinVar contains an entry for this variant (Variation ID: 2417933). Advanced modeling of protein sequence and biophysical properties (such as structural, functional, and spatial information, amino acid conservation, physicochemical variation, residue mobility, and thermodynamic stability) performed at Invitae indicates that this missense variant is not expected to disrupt SIN3A protein function with a negative predictive value of 80%. In summary, the available evidence is currently insufficient to determine the role of this variant in disease. Therefore, it has been classified as a Variant of Uncertain Significance.

NM_001145358.2(SIN3A):c.1354A>G (p.Met452Val)

Gene: SIN3A (SIN3 transcription regulator family member A; minus strand). Cytogenetic location: 15q24.2.
Variant type: single nucleotide variant.
Coding change: c.1354A>G on transcript NM_001145358.2 (MANE Select); coding-DNA position 1354, A replaced by G.
Protein change: p.Met452Val; replaces methionine 452 with valine.
Molecular consequence: missense variant.
Genome position (GRCh38, 1-based): chr15:75,407,108, T>C on the plus strand (A>G on the coding strand, the complement: SIN3A is on the minus strand). VCF-style: chr15-75407108-T-C. GRCh37 (hg19) VCF-style: chr15-75699449-T-C.
Other names: c.1354A>G, p.Met452Val (NM_001145357.2, NM_015477.3); c.1354A>G (NM_001145358.1); short protein forms M452V.
Identifiers: ClinVar variation 2417933 (VCV002417933.19), dbSNP rs767080621, ClinGen allele CA7667665.
Genomic context (GRCh38, chr15:75,407,108, plus strand): 5'-TACTCACCTTATCAAAAAATAACGATTCTGTTCCACCACCATGTTTGCTGGCATCTGCCA[T>C]AGAAGAATCCTTCAGATTGAGCAGTTTGGGTTTCTTCTGCAAAAGAAAGATACAAACATG-3'
Protein context (NP_001138830.1, residues 442-462): PKLLNLKDSS[Met452Val]ADASKHGGGT